The following is an entry in ClinVar:

ClinVar aggregate classification (germline): Benign. Review status: criteria provided, multiple submitters, no conflicts (2 of 4 stars). 2 submissions from 2 submitters: Benign (2). Last evaluated 2016-01-07.

Allele frequency attached by ClinVar (database versions not stated): 1000 Genomes Project 0.00998; 1000 Genomes Project 30x 0.01124; TOPMed 0.02625; gnomAD 0.02830 and 0.02940; gnomAD exomes 0.05556.
gnomAD v4.1: 4,218 of 147,754 alleles (2.9%); highest among the groups gnomAD compares: Non-Finnish European, 4.8%; 103 homozygotes.

Submissions (2):

GeneDx
Classification: Benign. Last evaluated: 2016-01-07. Review status: criteria provided, single submitter. Criteria: GeneDx Variant Classification (06012015). Collection method: clinical testing. Allele origin: germline. Affected: yes.
Comment: This variant is considered likely benign or benign based on one or more of the following criteria: it is a conservative change, it occurs at a poorly conserved position in the protein, it is predicted to be benign by multiple in silico algorithms, and/or has population frequency not consistent with disease.

Breakthrough Genomics
Classification: Benign. Review status: criteria provided, single submitter. Criteria: ACMG Guidelines, 2015. Collection method: not provided. Allele origin: germline. Inheritance: Autosomal dominant inheritance. Affected: yes.

NM_001958.5(EEF1A2):c.-72+8C>A

Gene: EEF1A2 (eukaryotic translation elongation factor 1 alpha 2; minus strand). Cytogenetic location: 20q13.33.
Variant type: single nucleotide variant.
Coding change: c.-72+8C>A on transcript NM_001958.5 (MANE Select); 8 bases into the intron after 72 bases upstream of the start codon, C replaced by A.
Molecular consequence: intron variant.
Genome position (GRCh38, 1-based): chr20:63,499,050, G>T on the plus strand (C>A on the coding strand, the complement: EEF1A2 is on the minus strand). VCF-style: chr20-63499050-G-T. GRCh37 (hg19) VCF-style: chr20-62130403-G-T.
Identifiers: ClinVar variation 382144 (VCV000382144.2), dbSNP rs150998792, ClinGen allele CA16608039.
Genomic context (GRCh38, chr20:63,499,050, plus strand): 5'-CCGGCCCCGGGGGTCCCTCTTCGGAAGACGGGGGCGGGGGCGGAGGCCCGGGGGCCGAGC[G>T]TCCTTACCCGGAGCCGAGGTCTCAGCCAGAGGGACTGGCGGCGCCGGCGCCGGCGGTTTT-3'